The following is an entry in ClinVar:

NM_001064.4(TKT):c.1468G>A (p.Gly490Arg)

Genes: TKT (transketolase; minus strand), LOC126806684 (CDK7 strongly-dependent group 2 enhancer GRCh37_chr3:53261945-53263144; plus strand). Cytogenetic location: 3p21.1.
Variant type: single nucleotide variant.
Coding change: c.1468G>A on transcript NM_001064.4 (MANE Select); coding-DNA position 1468, G replaced by A.
Protein change: p.Gly490Arg; replaces glycine 490 with arginine.
Molecular consequence: missense variant. On other transcripts: non-coding transcript variant (1).
Genome position (GRCh38, 1-based): chr3:53,228,287, C>T on the plus strand (G>A on the coding strand, the complement: TKT is on the minus strand). VCF-style: chr3-53228287-C-T. GRCh37 (hg19) VCF-style: chr3-53262303-C-T.
Other names: NC_000003.11:g.53262303C>T; c.1468G>A, p.Gly490Arg (NM_001135055.3); c.1492G>A, p.Gly498Arg (NM_001258028.2); short protein forms G490R, G498R.
Identifiers: ClinVar variation 1308341 (VCV001308341.3), dbSNP rs782423189, ClinGen allele CA2452510.

ClinVar aggregate classification (germline): Uncertain significance (1 of 4 stars; one submission).

Allele frequency attached by ClinVar (database versions not stated): gnomAD 0.00002; ExAC 0.00003; gnomAD exomes 0.00004; TOPMed 0.00005.

Submissions (3):

GeneDx
Classification: Uncertain significance. Last evaluated: 2019-04-03. Review status: criteria provided, single submitter. Criteria: GeneDx Variant Classification Process June 2021. Collection method: clinical testing. Allele origin: germline. Affected: yes.
Comment: In silico analysis, which includes protein predictors and evolutionary conservation, supports a deleterious effect; In addition, in silico predictors suggest this variant may impact gene splicing. In the absence of RNA/functional studies, the actual effect of this sequence change is unknown.; Has not been previously published as pathogenic or benign to our knowledge

Dr. Peter K. Rogan Lab, Western University
No classification provided (evidence only). Condition: Thyroid cancer, nonmedullary, 1. Review status: no classification provided. Collection method: in vitro. Allele origin: not applicable. Functional consequence: retained intron. Not counted in ClinVar's aggregate classification.

Dr. Peter K. Rogan Lab, Western University
No classification provided (evidence only). Condition: Cervical cancer. Review status: no classification provided. Collection method: in vitro. Allele origin: not applicable. Functional consequence: retained intron. Not counted in ClinVar's aggregate classification.